The following is an entry in ClinVar:

ClinVar aggregate classification (germline): Pathogenic. Review status: criteria provided, multiple submitters, no conflicts (2 of 4 stars). 3 submissions from 3 submitters: Pathogenic (2). 1 of the submissions does not count toward it. Last evaluated 2024-05-31.

Conditions:
Congenital secretory diarrhea, chloride type (DIAR1). Also called: DIARRHEA 1, SECRETORY CHLORIDE, CONGENITAL; CHLORIDORRHEA, CONGENITAL; CHLORIDE DIARRHEA, CONGENITAL, FINNISH TYPE. Identifiers: Orphanet 53689, MedGen C0267662, MONDO:0008964, OMIM 214700.

Submissions (3):

Fulgent Genetics
Classification: Pathogenic for Congenital secretory diarrhea, chloride type. Last evaluated: 2024-05-31. Review status: criteria provided, single submitter. Criteria: ACMG Guidelines, 2015. Collection method: clinical testing. Allele origin: germline.

Labcorp Genetics (formerly Invitae), Labcorp
Classification: Pathogenic. Last evaluated: 2024-02-16. Review status: criteria provided, single submitter. Criteria: Invitae Variant Classification Sherloc (09022015). Collection method: clinical testing. Allele origin: germline.
Comment: This sequence change creates a premature translational stop signal (p.Ile60Hisfs*11) in the SLC26A3 gene. It is expected to result in an absent or disrupted protein product. Loss-of-function variants in SLC26A3 are known to be pathogenic (PMID: 9718329, 21394828). This variant is present in population databases (rs386833468, gnomAD 0.0009%). This premature translational stop signal has been observed in individual(s) with congenital chloride diarrhea (PMID: 9554749). ClinVar contains an entry for this variant (Variation ID: 55986). For these reasons, this variant has been classified as Pathogenic.

Juha Muilu Group; Institute for Molecular Medicine Finland (FIMM)
Classification: Likely pathogenic for Congenital secretory diarrhea, chloride type. Review status: no assertion criteria provided. Collection method: not provided. Allele origin: unknown. Not counted in ClinVar's aggregate classification.
Comment: FinDis database variant: This variant was not found or characterized by our laboratory, data were collected from public sources: see reference
ClinVar note: Converted during submission from probable-pathogenic to Likely pathogenic.

Literature cited by the submitters: PubMed 9718329 (cited by Labcorp Genetics (formerly Invitae), Labcorp); PubMed 21394828 (cited by Labcorp Genetics (formerly Invitae), Labcorp); PubMed 9554749 (cited by Labcorp Genetics (formerly Invitae), Labcorp).

NM_000111.3(SLC26A3):c.177dup (p.Ile60fs)

Gene: SLC26A3 (solute carrier family 26 member 3; minus strand). Cytogenetic location: 7q22.3.
Variant type: Duplication.
Coding change: c.177dup on transcript NM_000111.3 (MANE Select); coding-DNA position 177, one base duplicated (C; older notation c.177dupC).
Protein change: p.Ile60fs; shifts the reading frame from isoleucine 60.
Molecular consequence: frameshift variant.
Genome position (GRCh38, 1-based): chr7:107,793,836, G duplicated on the plus strand (C on the coding strand, the reverse complement: SLC26A3 is on the minus strand); the first of 4 consecutive G bases (chr7:107,793,836-107,793,839); duplicating any one gives the same sequence. VCF-style (leftmost placement, unchanged base first): chr7-107793835-T-TG. GRCh37 (hg19) VCF-style: chr7-107434280-T-TG.
Other names: c.177dupC (NM_000111.2); short protein forms I60fs.
Identifiers: ClinVar variation 55986 (VCV000055986.6), dbSNP rs386833468, ClinGen allele CA144076.